The following is an entry in ClinVar:

NM_002187.3(IL12B):c.703C>T (p.Pro235Ser)

Gene: IL12B (interleukin 12B; minus strand). Cytogenetic location: 5q33.3.
Variant type: single nucleotide variant.
Coding change: c.703C>T on transcript NM_002187.3 (MANE Select); coding-DNA position 703, C replaced by T.
Protein change: p.Pro235Ser; replaces proline 235 with serine.
Molecular consequence: missense variant.
Genome position (GRCh38, 1-based): chr5:159,318,888, G>A on the plus strand (C>T on the coding strand, the complement: IL12B is on the minus strand). VCF-style: chr5-159318888-G-A. GRCh37 (hg19) VCF-style: chr5-158745896-G-A.
Other names: short protein forms P235S.
Identifiers: ClinVar variation 570949 (VCV000570949.6), dbSNP rs776726308, ClinGen allele CA3538731.

ClinVar aggregate classification (germline): Uncertain significance. Review status: criteria provided, multiple submitters, no conflicts (2 of 4 stars). 2 submissions from 2 submitters: Uncertain significance (2). Last evaluated 2024-06-02.

Conditions:
Inborn genetic diseases. Identifiers: MedGen C0950123, MeSH D030342.
Mendelian susceptibility to mycobacterial diseases due to complete IL12B deficiency. Also called: IL12B DEFICIENCY; Immunodeficiency 29. Identifiers: Orphanet 319558, MedGen C4013948, MONDO:0013954, OMIM 614890.

Allele frequency attached by ClinVar (database versions not stated): gnomAD exomes below 0.00001 and 0.00001; ExAC 0.00001; TOPMed 0.00002.
gnomAD v4.1: 6 of 1,613,666 alleles (0.00037%); highest among the groups gnomAD compares: Admixed American, 0.0033%; no homozygotes.

Submissions (2):

Ambry Genetics
Classification: Uncertain significance for Inborn genetic diseases. Last evaluated: 2024-06-02. Review status: criteria provided, single submitter. Criteria: Ambry Variant Classification Scheme 2023. Collection method: clinical testing. Allele origin: germline.

Labcorp Genetics (formerly Invitae), Labcorp
Classification: Uncertain significance for Mendelian susceptibility to mycobacterial diseases due to complete IL12B deficiency. Last evaluated: 2022-06-09. Review status: criteria provided, single submitter. Criteria: Invitae Variant Classification Sherloc (09022015). Collection method: clinical testing. Allele origin: germline.
Comment: This sequence change replaces proline, which is neutral and non-polar, with serine, which is neutral and polar, at codon 235 of the IL12B protein (p.Pro235Ser). This variant is present in population databases (rs776726308, gnomAD 0.003%). This variant has not been reported in the literature in individuals affected with IL12B-related conditions. ClinVar contains an entry for this variant (Variation ID: 570949). Algorithms developed to predict the effect of missense changes on protein structure and function (SIFT, PolyPhen-2, Align-GVGD) all suggest that this variant is likely to be disruptive. In summary, the available evidence is currently insufficient to determine the role of this variant in disease. Therefore, it has been classified as a Variant of Uncertain Significance.